The following is an entry in ClinVar:

ClinVar aggregate classification (germline): Uncertain significance (1 of 4 stars; one submission).

Allele frequency attached by ClinVar (database versions not stated): gnomAD exomes 0.00002.
gnomAD v4.1: 32 of 1,612,192 alleles (0.002%); highest among the groups gnomAD compares: Non-Finnish European, 0.0026%; no homozygotes.

Submission:

Labcorp Genetics (formerly Invitae), Labcorp
Classification: Uncertain significance. Last evaluated: 2025-03-31. Review status: criteria provided, single submitter. Criteria: Invitae Variant Classification Sherloc (09022015). Collection method: clinical testing. Allele origin: germline.
Comment: This sequence change replaces proline, which is neutral and non-polar, with alanine, which is neutral and non-polar, at codon 238 of the C3 protein (p.Pro238Ala). This variant is not present in population databases (gnomAD no frequency). This variant has not been reported in the literature in individuals affected with C3-related conditions. ClinVar contains an entry for this variant (Variation ID: 2029044). Invitae Evidence Modeling of protein sequence and biophysical properties (such as structural, functional, and spatial information, amino acid conservation, physicochemical variation, residue mobility, and thermodynamic stability) indicates that this missense variant is not expected to disrupt C3 protein function with a negative predictive value of 80%. In summary, the available evidence is currently insufficient to determine the role of this variant in disease. Therefore, it has been classified as a Variant of Uncertain Significance.

NM_000064.4(C3):c.712C>G (p.Pro238Ala)

Gene: C3 (complement C3; minus strand). Cytogenetic location: 19p13.3.
Variant type: single nucleotide variant.
Coding change: c.712C>G on transcript NM_000064.4 (MANE Select); coding-DNA position 712, C replaced by G.
Protein change: p.Pro238Ala; replaces proline 238 with alanine.
Molecular consequence: missense variant.
Genome position (GRCh38, 1-based): chr19:6,714,053, G>C on the plus strand (C>G on the coding strand, the complement: C3 is on the minus strand). VCF-style: chr19-6714053-G-C. GRCh37 (hg19) VCF-style: chr19-6714064-G-C.
Other names: short protein forms P238A.
Identifiers: ClinVar variation 2029044 (VCV002029044.4), dbSNP rs982144175, ClinGen allele CA304798523.